The following is an entry in ClinVar:

NM_033305.3(VPS13A):c.8571T>C (p.Tyr2857=)

Gene: VPS13A (vacuolar protein sorting 13 homolog A; plus strand). Cytogenetic location: 9q21.2.
Variant type: single nucleotide variant.
Coding change: c.8571T>C on transcript NM_033305.3 (MANE Select); coding-DNA position 8571, T replaced by C.
Protein change: p.Tyr2857=; no amino-acid change (tyrosine 2857 retained).
Molecular consequence: synonymous variant.
Genome position (GRCh38, 1-based): chr9:77,369,316, T>C. VCF-style: chr9-77369316-T-C. GRCh37 (hg19) VCF-style: chr9-79984232-T-C.
Other names: p.Tyr2857=; c.8454T>C, p.Tyr2818= (NM_001018037.2); c.8571T>C, p.Tyr2857= (NM_001018038.3, NM_015186.4).
Identifiers: ClinVar variation 367423 (VCV000367423.23), dbSNP rs17340192, ClinGen allele CA5093691.

ClinVar aggregate classification (germline): Benign/Likely benign. Review status: criteria provided, multiple submitters, no conflicts (2 of 4 stars). 9 submissions from 9 submitters: Benign (7); Likely benign (1). 1 of the submissions does not count toward it. Last evaluated 2026-02-04.

Conditions:
VPS13A-related neurodegenerative disease. Also called: LEVINE-CRITCHLEY SYNDROME; Chorea-acanthocytosis; ACANTHOCYTOSIS WITH NEUROLOGIC DISORDER; Choreoacanthocytosis; Choreaacanthocytosis; VPS13A Disease. Identifiers: Orphanet 2388, MedGen C0393576, MONDO:0008695, OMIM 200150.

Allele frequency attached by ClinVar (database versions not stated): 1000 Genomes Project 0.05172; 1000 Genomes Project 30x 0.05184; TOPMed 0.05656; gnomAD 0.05788 and 0.06005; ESP Exome Variant Server 0.06843; gnomAD exomes 0.07211; ExAC 0.07586.
gnomAD v4.1: 130,423 of 1,610,632 alleles (8.1%); highest among the groups gnomAD compares: South Asian, 13%; 6,011 homozygotes.

Submissions (9):

Labcorp Genetics (formerly Invitae), Labcorp
Classification: Benign. Last evaluated: 2026-02-04. Review status: criteria provided, single submitter. Criteria: Invitae Variant Classification Sherloc (09022015). Collection method: clinical testing. Allele origin: germline.

Blueprint Genetics
Classification: Likely benign. Last evaluated: 2024-11-27. Review status: criteria provided, single submitter. Criteria: ACMG Guidelines, 2015. Collection method: clinical testing. Allele origin: germline.

Mayo Clinic Laboratories, Mayo Clinic
Classification: Benign. Last evaluated: 2022-03-24. Review status: criteria provided, single submitter. Criteria: ACMG Guidelines, 2015. Collection method: clinical testing. Allele origin: germline. Observed: 97 variant alleles.

Genome-Nilou Lab
Classification: Benign for VPS13A-related neurodegenerative disease. Last evaluated: 2021-07-10. Review status: criteria provided, single submitter. Criteria: ACMG Guidelines, 2015. Collection method: clinical testing. Allele origin: germline. Affected: no.

GeneDx
Classification: Benign. Last evaluated: 2018-09-04. Review status: criteria provided, single submitter. Criteria: GeneDx Variant Classification (06012015). Collection method: clinical testing. Allele origin: germline. Affected: yes.

Athena Diagnostics
Classification: Benign. Last evaluated: 2018-05-07. Review status: criteria provided, single submitter. Criteria: Athena Diagnostics Criteria. Collection method: clinical testing. Allele origin: germline.

Illumina Laboratory Services, Illumina
Classification: Benign for VPS13A-related neurodegenerative disease. Last evaluated: 2018-01-12. Review status: criteria provided, single submitter. Criteria: ICSL Variant Classification Criteria 13 December 2019. Collection method: clinical testing. Allele origin: germline.
Comment: This variant was observed in the ICSL laboratory as part of a predisposition screen in an ostensibly healthy population. It had not been previously curated by ICSL or reported in the Human Gene Mutation Database (HGMD: prior to June 1st, 2018), and was therefore a candidate for classification through an automated scoring system. Utilizing variant allele frequency, disease prevalence and penetrance estimates, and inheritance mode, an automated score was calculated to assess if this variant is too frequent to cause the disease. Based on the score and internal cut-off values, a variant classified as benign is not then subjected to further curation. The score for this variant resulted in a classification of benign for this disease.

Breakthrough Genomics
Classification: Benign. Review status: criteria provided, single submitter. Criteria: ACMG Guidelines, 2015. Collection method: not provided. Allele origin: germline. Inheritance: Autosomal recessive inheritance. Affected: yes.

Natera, Inc.
Classification: Benign for Choreaacanthocytosis. Last evaluated: 2020-09-16. Review status: no assertion criteria provided. Collection method: clinical testing. Allele origin: germline. Not counted in ClinVar's aggregate classification.